The following is an entry in ClinVar:

ClinVar aggregate classification (germline): Uncertain significance. Review status: criteria provided, multiple submitters, no conflicts (2 of 4 stars). 2 submissions from 2 submitters: Uncertain significance (2). Last evaluated 2024-03-30.

Conditions:
Hereditary breast ovarian cancer syndrome. Also called: Hereditary breast and ovarian cancer; Hereditary breast and/or ovarian cancer syndrome; Hereditary breast and ovarian cancer syndrome; Hereditary breast and ovarian cancer syndrome (HBOC); Breast and ovarian cancer; BRCA1- and BRCA2-Associated Hereditary Breast and Ovarian Cancer. Identifiers: Orphanet 145, MedGen C0677776, MeSH D061325, MONDO:0003582. Disease mechanism: loss of function.

Submissions (2):

Labcorp Genetics (formerly Invitae), Labcorp
Classification: Uncertain significance for Hereditary breast ovarian cancer syndrome. Last evaluated: 2024-03-30. Review status: criteria provided, single submitter. Criteria: Invitae Variant Classification Sherloc (09022015). Collection method: clinical testing. Allele origin: germline.
Comment: This variant, c.5506_5508del, results in the deletion of 1 amino acid(s) of the BRCA2 protein (p.Asn1836del), but otherwise preserves the integrity of the reading frame. This variant is not present in population databases (gnomAD no frequency). This variant has been observed in individual(s) with breast cancer or ovarian cancer (PMID: 30725392). ClinVar contains an entry for this variant (Variation ID: 954637). Experimental studies and prediction algorithms are not available or were not evaluated, and the functional significance of this variant is currently unknown. In summary, the available evidence is currently insufficient to determine the role of this variant in disease. Therefore, it has been classified as a Variant of Uncertain Significance.

GeneDx
Classification: Uncertain significance. Last evaluated: 2019-11-19. Review status: criteria provided, single submitter. Criteria: GeneDx Variant Classification Process June 2021. Collection method: clinical testing. Allele origin: germline. Affected: yes.
Comment: In-frame deletion of 1 amino acid in a non-repeat region; Observed in an individual that underwent BRCA1/2 testing (So 2019); Not observed in large population cohorts (Lek 2016); In silico analysis, which includes protein predictors and evolutionary conservation, supports a deleterious effect; Also known as 5734_5736delAAT; This variant is associated with the following publications: (PMID: 30725392)

Literature cited by the submitters: PubMed 30725392 (cited by Labcorp Genetics (formerly Invitae), Labcorp).

NM_000059.4(BRCA2):c.5503AAT[1] (p.Asn1836del)

Gene: BRCA2 (BRCA2 DNA repair associated; plus strand). Cytogenetic location: 13q13.1.
Variant type: Microsatellite.
Coding change: c.5503AAT[1] on transcript NM_000059.4 (MANE Select); one copy of the 3-base unit AAT starting at c.5503; the reference has two copies in a row; one copy, 3 bases deleted.
Protein change: p.Asn1836del; deletes asparagine 1836.
Molecular consequence: inframe deletion.
Genome position (GRCh38, 1-based): chr13:32,339,861-32,339,863, AAT deleted; deleting any 3 consecutive bases within chr13:32,339,857-32,339,863 gives the same sequence; the position shown is the placement nearest the transcript's 3' end. VCF-style (leftmost placement, unchanged base first): chr13-32339856-GTAA-G. GRCh37 (hg19) VCF-style: chr13-32913993-GTAA-G.
Other names: short protein forms N1836del.
Identifiers: ClinVar variation 954637 (VCV000954637.11), dbSNP rs2072530967, ClinGen allele CA2082823989.